The following is an entry in ClinVar:

ClinVar aggregate classification (germline): Benign (1 of 4 stars; one submission).

Conditions:
Neonatal diabetes mellitus with congenital hypothyroidism. Also called: NDH SYNDROME. Identifiers: Orphanet 79118, MedGen C1857775, MONDO:0012436, OMIM 610199.

Allele frequency attached by ClinVar (database versions not stated): gnomAD 0.00044 and 0.00070; TOPMed 0.00071; 1000 Genomes Project 30x 0.00531; 1000 Genomes Project 0.00599.

Submission:

Illumina Laboratory Services, Illumina
Classification: Benign for Neonatal diabetes mellitus with congenital hypothyroidism. Last evaluated: 2018-01-12. Review status: criteria provided, single submitter. Criteria: ICSL Variant Classification Criteria 13 December 2019. Collection method: clinical testing. Allele origin: germline.
Comment: This variant was observed in the ICSL laboratory as part of a predisposition screen in an ostensibly healthy population. It had not been previously curated by ICSL or reported in the Human Gene Mutation Database (HGMD: prior to June 1st, 2018), and was therefore a candidate for classification through an automated scoring system. Utilizing variant allele frequency, disease prevalence and penetrance estimates, and inheritance mode, an automated score was calculated to assess if this variant is too frequent to cause the disease. Based on the score and internal cut-off values, a variant classified as benign is not then subjected to further curation. The score for this variant resulted in a classification of benign for this disease.

NM_001042413.2(GLIS3):c.-636C>T

Genes: GLIS3-AS2 (GLIS3 antisense RNA 2; plus strand), GLIS3 (GLIS family zinc finger 3; minus strand). Cytogenetic location: 9p24.2.
Variant type: single nucleotide variant.
Coding change: c.-636C>T on transcript NM_001042413.2 (MANE Select); 636 bases upstream of the start codon, C replaced by T.
Molecular consequence: 5 prime UTR variant.
Genome position (GRCh38, 1-based): chr9:4,299,958, G>A on the plus strand (C>T on the coding strand, the complement: GLIS3 is on the minus strand). VCF-style: chr9-4299958-G-A. GRCh37 (hg19) VCF-style: chr9-4299958-G-A.
Identifiers: ClinVar variation 367019 (VCV000367019.5), dbSNP rs377748184, ClinGen allele CA10630203.